The following is an entry in ClinVar:

ClinVar aggregate classification (germline): Uncertain significance (1 of 4 stars; one submission).

Allele frequency attached by ClinVar (database versions not stated): gnomAD 0.00005; ExAC 0.00013; TOPMed 0.00002; gnomAD exomes 0.00004.

Submission:

Labcorp Genetics (formerly Invitae), Labcorp
Classification: Uncertain significance. Last evaluated: 2024-01-10. Review status: criteria provided, single submitter. Criteria: Invitae Variant Classification Sherloc (09022015). Collection method: clinical testing. Allele origin: germline.
Comment: This sequence change replaces methionine, which is neutral and non-polar, with threonine, which is neutral and polar, at codon 129 of the SIAE protein (p.Met129Thr). This variant is present in population databases (rs777511027, gnomAD 0.01%). This variant has not been reported in the literature in individuals affected with SIAE-related conditions. ClinVar contains an entry for this variant (Variation ID: 2073182). An algorithm developed to predict the effect of missense changes on protein structure and function (PolyPhen-2) suggests that this variant is likely to be disruptive. In summary, the available evidence is currently insufficient to determine the role of this variant in disease. Therefore, it has been classified as a Variant of Uncertain Significance.

NM_170601.5(SIAE):c.386T>C (p.Met129Thr)

Gene: SIAE (sialic acid acetylesterase; minus strand). Cytogenetic location: 11q24.2.
Variant type: single nucleotide variant.
Coding change: c.386T>C on transcript NM_170601.5 (MANE Select); coding-DNA position 386, T replaced by C.
Protein change: p.Met129Thr; replaces methionine 129 with threonine.
Molecular consequence: missense variant.
Genome position (GRCh38, 1-based): chr11:124,660,647, A>G on the plus strand (T>C on the coding strand, the complement: SIAE is on the minus strand). VCF-style: chr11-124660647-A-G. GRCh37 (hg19) VCF-style: chr11-124530543-A-G.
Other names: c.281T>C, p.Met94Thr (NM_001199922.2); short protein forms M94T, M129T.
Identifiers: ClinVar variation 2073182 (VCV002073182.4), dbSNP rs777511027, ClinGen allele CA6341577.